The following is an entry in ClinVar:

ClinVar aggregate classification (germline): Benign (1 of 4 stars; one submission).

Conditions:
Congenital afibrinogenemia. Identifiers: Orphanet 335, Orphanet 98880, MedGen C2584774, MONDO:0008737, OMIM 202400.

Allele frequency attached by ClinVar (database versions not stated): 1000 Genomes Project 30x 0.13195; 1000 Genomes Project 0.13778; TOPMed 0.13939; gnomAD 0.14019 and 0.14180.

Submission:

Illumina Laboratory Services, Illumina
Classification: Benign for Congenital afibrinogenemia. Last evaluated: 2018-01-13. Review status: criteria provided, single submitter. Criteria: ICSL Variant Classification Criteria 13 December 2019. Collection method: clinical testing. Allele origin: germline.
Comment: This variant was observed in the ICSL laboratory as part of a predisposition screen in an ostensibly healthy population. It had not been previously curated by ICSL or reported in the Human Gene Mutation Database (HGMD: prior to June 1st, 2018), and was therefore a candidate for classification through an automated scoring system. Utilizing variant allele frequency, disease prevalence and penetrance estimates, and inheritance mode, an automated score was calculated to assess if this variant is too frequent to cause the disease. Based on the score and internal cut-off values, a variant classified as benign is not then subjected to further curation. The score for this variant resulted in a classification of benign for this disease.

NM_005141.5(FGB):c.*1517T>C

Gene: FGB (fibrinogen beta chain; plus strand). Cytogenetic location: 4q31.3.
Variant type: single nucleotide variant.
Coding change: c.*1517T>C on transcript NM_005141.5 (MANE Select); 1517 bases downstream of the stop codon, T replaced by C.
Molecular consequence: 3 prime UTR variant.
Genome position (GRCh38, 1-based): chr4:154,572,167, T>C. VCF-style: chr4-154572167-T-C. GRCh37 (hg19) VCF-style: chr4-155493319-T-C.
Other names: c.*1517T>C (NM_001184741.1, NM_001382759.1, NM_001382760.1 and 3 more transcripts); c.*1658T>C (NM_001382761.1); c.*1767T>C (NM_001382764.1).
Identifiers: ClinVar variation 347796 (VCV000347796.5), dbSNP rs2059502, ClinGen allele CA10617222.
Genomic context (GRCh38, chr4:154,572,167, plus strand): 5'-ATTCAAATTTTTTAGCTGGAGTAAAAATGGTCCCAGTACCATTTCCTGTTCCCTTCACTA[T>C]AACCTACATTTTTGTCACATTAAGTTTTTCCCCATTCCAGGACAGGTCAGGCCCTTTAAA-3'